The following is an entry in ClinVar:

NM_001367721.1(CASK):c.1288C>T (p.Arg430Cys)

Gene: CASK (calcium/calmodulin dependent serine protein kinase; minus strand). Cytogenetic location: Xp11.4.
Variant type: single nucleotide variant.
Coding change: c.1288C>T on transcript NM_001367721.1 (MANE Select); coding-DNA position 1288, C replaced by T.
Protein change: p.Arg430Cys; replaces arginine 430 with cysteine.
Molecular consequence: missense variant.
Genome position (GRCh38, 1-based): chrX:41,586,933, G>A on the plus strand (C>T on the coding strand, the complement: CASK is on the minus strand). VCF-style: chrX-41586933-G-A. GRCh37 (hg19) VCF-style: chrX-41446186-G-A.
Other names: c.1288C>T, p.Arg430Cys (NM_001126054.3, NM_003688.4); c.1270C>T, p.Arg424Cys (NM_001126055.3, NM_001410745.1); short protein forms R424C, R430C.
Identifiers: ClinVar variation 1105473 (VCV001105473.23), dbSNP rs149798861, ClinGen allele CA10390229.

ClinVar aggregate classification (germline): Likely benign. Review status: criteria provided, multiple submitters, no conflicts (2 of 4 stars). 2 submissions from 2 submitters: Likely benign (2). Last evaluated 2025-02-19.

Conditions:
Intellectual disability, CASK-related, X-linked. Identifiers: MedGen CN043158.

Allele frequency attached by ClinVar (database versions not stated): gnomAD 0.00001; gnomAD exomes 0.00001 and 0.00004; TOPMed 0.00002; ExAC 0.00004; ESP Exome Variant Server 0.00009.
gnomAD v4.1: 14 of 1,181,271 alleles (0.0012%); highest among the groups gnomAD compares: South Asian, 0.0072%; no homozygotes.

Submissions (2):

Labcorp Genetics (formerly Invitae), Labcorp
Classification: Likely benign for Intellectual disability, CASK-related, X-linked. Last evaluated: 2025-02-19. Review status: criteria provided, single submitter. Criteria: Invitae Variant Classification Sherloc (09022015). Collection method: clinical testing. Allele origin: germline.

CeGaT Center for Human Genetics Tuebingen
Classification: Likely benign. Last evaluated: 2025-01-01. Review status: criteria provided, single submitter. Criteria: CeGaT Center For Human Genetics Tuebingen Variant Classification Criteria Version 2. Collection method: clinical testing. Allele origin: germline. Affected: yes. Observed: 1 variant allele.
Comment: CASK: BS2